The following is an entry in ClinVar:

NM_015978.3(TNNI3K):c.1241A>G (p.Asn414Ser)

Genes: FPGT-TNNI3K (FPGT-TNNI3K readthrough; plus strand), TNNI3K (TNNI3 interacting kinase; plus strand). Cytogenetic location: 1p31.1.
Variant type: single nucleotide variant.
Coding change: c.1241A>G on transcript NM_015978.3 (MANE Select); coding-DNA position 1241, A replaced by G.
Protein change: p.Asn414Ser; replaces asparagine 414 with serine.
Molecular consequence: missense variant.
Genome position (GRCh38, 1-based): chr1:74,367,319, A>G. VCF-style: chr1-74367319-A-G. GRCh37 (hg19) VCF-style: chr1-74833003-A-G.
Other names: c.1544A>G, p.Asn515Ser (NM_001112808.3, NM_001199327.2); short protein forms N414S, N515S.
Identifiers: ClinVar variation 4743404 (VCV004743404.1).

ClinVar aggregate classification (germline): Uncertain significance (1 of 4 stars; one submission).

Submission:

Labcorp Genetics (formerly Invitae), Labcorp
Classification: Uncertain significance. Last evaluated: 2025-10-14. Review status: criteria provided, single submitter. Criteria: Invitae Variant Classification Sherloc (09022015). Collection method: clinical testing. Allele origin: germline.
Comment: This sequence change replaces asparagine, which is neutral and polar, with serine, which is neutral and polar, at codon 414 of the TNNI3K protein (p.Asn414Ser). This variant is not present in population databases (gnomAD no frequency). This variant has not been reported in the literature in individuals affected with TNNI3K-related conditions. Invitae Evidence Modeling of protein sequence and biophysical properties (such as structural, functional, and spatial information, amino acid conservation, physicochemical variation, residue mobility, and thermodynamic stability) indicates that this missense variant is not expected to disrupt TNNI3K protein function with a negative predictive value of 80%. In summary, the available evidence is currently insufficient to determine the role of this variant in disease. Therefore, it has been classified as a Variant of Uncertain Significance.